The following is an entry in ClinVar:

NM_006939.4(SOS2):c.3092T>A (p.Phe1031Tyr)

Gene: SOS2 (SOS Ras/Rho guanine nucleotide exchange factor 2; minus strand). Cytogenetic location: 14q21.3.
Variant type: single nucleotide variant.
Coding change: c.3092T>A on transcript NM_006939.4 (MANE Select); coding-DNA position 3092, T replaced by A.
Protein change: p.Phe1031Tyr; replaces phenylalanine 1031 with tyrosine.
Molecular consequence: missense variant.
Genome position (GRCh38, 1-based): chr14:50,130,746, A>T on the plus strand (T>A on the coding strand, the complement: SOS2 is on the minus strand). VCF-style: chr14-50130746-A-T. GRCh37 (hg19) VCF-style: chr14-50597464-A-T.
Other names: c.2993T>A, p.Phe998Tyr (NM_001411020.1); short protein forms F1031Y, F998Y.
Identifiers: ClinVar variation 4801983 (VCV004801983.1).

ClinVar aggregate classification (germline): Uncertain significance (1 of 4 stars; one submission).

Conditions:
Noonan syndrome 9 (NS9). Identifiers: Orphanet 648, MedGen C4225282, MONDO:0014691, OMIM 616559.

Submission:

Labcorp Genetics (formerly Invitae), Labcorp
Classification: Uncertain significance for Noonan syndrome 9. Last evaluated: 2026-01-13. Review status: criteria provided, single submitter. Criteria: Invitae Variant Classification Sherloc (09022015). Collection method: clinical testing. Allele origin: germline.
Comment: This sequence change replaces phenylalanine, which is neutral and non-polar, with tyrosine, which is neutral and polar, at codon 1031 of the SOS2 protein (p.Phe1031Tyr). This variant is not present in population databases (gnomAD no frequency). This variant has not been reported in the literature in individuals affected with SOS2-related conditions. Invitae Evidence Modeling of protein sequence and biophysical properties (such as structural, functional, and spatial information, amino acid conservation, physicochemical variation, residue mobility, and thermodynamic stability) indicates that this missense variant is not expected to disrupt SOS2 protein function with a negative predictive value of 95%. In summary, the available evidence is currently insufficient to determine the role of this variant in disease. Therefore, it has been classified as a Variant of Uncertain Significance.